The following is an entry in ClinVar:

NM_001267550.2(TTN):c.97193-15T>A

Genes: TTN (titin; minus strand), TTN-AS1 (TTN antisense RNA 1; plus strand). Cytogenetic location: 2q31.2.
Variant type: single nucleotide variant.
Coding change: c.97193-15T>A on transcript NM_001267550.2 (MANE Select); 15 bases into the intron before coding-DNA position 97193, T replaced by A.
Molecular consequence: intron variant.
Genome position (GRCh38, 1-based): chr2:178,542,578, A>T on the plus strand (T>A on the coding strand, the complement: TTN is on the minus strand). VCF-style: chr2-178542578-A-T. GRCh37 (hg19) VCF-style: chr2-179407305-A-T.
Other names: c.69998-15T>A (NM_003319.4); c.70574-15T>A (NM_133437.4); c.70373-15T>A (NM_133432.3); c.89489-15T>A (NM_133378.4); c.92270-15T>A (NM_001256850.1).
Identifiers: ClinVar variation 1567258 (VCV001567258.9), dbSNP rs377523613, ClinGen allele CA1986600.

ClinVar aggregate classification (germline): Likely benign. Review status: criteria provided, multiple submitters, no conflicts (2 of 4 stars). 2 submissions from 2 submitters: Likely benign (2). Last evaluated 2026-09-22.

Conditions:
Dilated cardiomyopathy 1G (CMD1G). Identifiers: Orphanet 154, MedGen C1858763, MONDO:0011400, OMIM 604145.
Autosomal recessive limb-girdle muscular dystrophy type 2J (LGMDR10). Also called: Limb-girdle muscular dystrophy, type 2J; MUSCULAR DYSTROPHY, LIMB-GIRDLE, AUTOSOMAL RECESSIVE 10. Identifiers: Orphanet 140922, MedGen C1837342, MONDO:0012127, OMIM 608807.
TTN-related disorder. Also called: TTN-related disorders; TTN-related condition; TTN-related disease.

Allele frequency attached by ClinVar (database versions not stated): gnomAD 0.00001; ExAC 0.00002; gnomAD exomes 0.00002 and 0.00003; TOPMed 0.00002; ESP Exome Variant Server 0.00017.
gnomAD v4.1: 53 of 1,591,778 alleles (0.0033%); highest among the groups gnomAD compares: Non-Finnish European, 0.0042%; no homozygotes.

Submissions (2):

PreventionGenetics, part of Exact Sciences
Classification: Likely benign for TTN-related condition. Last evaluated: 2026-09-22. Review status: criteria provided, single submitter. Criteria: ACMG Guidelines, 2015. Collection method: clinical testing. Allele origin: germline.
Comment: This variant is classified as likely benign based on ACMG/AMP sequence variant interpretation guidelines (Richards et al. 2015 PMID: 25741868, with internal and published modifications).

Labcorp Genetics (formerly Invitae), Labcorp
Classification: Likely benign for Dilated cardiomyopathy 1G; Autosomal recessive limb-girdle muscular dystrophy type 2J. Last evaluated: 2025-12-26. Review status: criteria provided, single submitter. Criteria: Invitae Variant Classification Sherloc (09022015). Collection method: clinical testing. Allele origin: germline.